The following is an entry in ClinVar:

ClinVar aggregate classification (germline): Uncertain significance (1 of 4 stars; one submission).

Allele frequency attached by ClinVar (database versions not stated): gnomAD exomes below 0.00001; gnomAD 0.00001; TOPMed 0.00001.
gnomAD v4.1: 5 of 1,614,012 alleles (0.00031%); highest among the groups gnomAD compares: East Asian, 0.0045%; no homozygotes.

Submission:

Labcorp Genetics (formerly Invitae), Labcorp
Classification: Uncertain significance. Last evaluated: 2022-01-06. Review status: criteria provided, single submitter. Criteria: Invitae Variant Classification Sherloc (09022015). Collection method: clinical testing. Allele origin: germline.
Comment: This variant has not been reported in the literature in individuals affected with PDZD7-related conditions. This variant is present in population databases (no rsID available, gnomAD 0.003%). This sequence change replaces serine, which is neutral and polar, with threonine, which is neutral and polar, at codon 155 of the PDZD7 protein (p.Ser155Thr). Algorithms developed to predict the effect of missense changes on protein structure and function are either unavailable or do not agree on the potential impact of this missense change (SIFT: "Tolerated"; PolyPhen-2: "Not Available"; Align-GVGD: "Class C0"). In summary, the available evidence is currently insufficient to determine the role of this variant in disease. Therefore, it has been classified as a Variant of Uncertain Significance.

NM_001195263.2(PDZD7):c.464G>C (p.Ser155Thr)

Gene: PDZD7 (PDZ domain containing 7; minus strand). Cytogenetic location: 10q24.31.
Variant type: single nucleotide variant.
Coding change: c.464G>C on transcript NM_001195263.2 (MANE Select); coding-DNA position 464, G replaced by C.
Protein change: p.Ser155Thr; replaces serine 155 with threonine.
Molecular consequence: missense variant.
Genome position (GRCh38, 1-based): chr10:101,023,514, C>G on the plus strand (G>C on the coding strand, the complement: PDZD7 is on the minus strand). VCF-style: chr10-101023514-C-G. GRCh37 (hg19) VCF-style: chr10-102783271-C-G.
Other names: c.464G>C, p.Ser155Thr (NM_001351044.2, NM_024895.5); short protein forms S155T.
Identifiers: ClinVar variation 1493164 (VCV001493164.4), dbSNP rs1385766075, ClinGen allele CA378230627.